The following is an entry in ClinVar:

NM_194248.3(OTOF):c.4747C>T (p.Arg1583Cys)

Gene: OTOF (otoferlin; minus strand). Cytogenetic location: 2p23.3.
Variant type: single nucleotide variant.
Coding change: c.4747C>T on transcript NM_194248.3 (MANE Select); coding-DNA position 4747, C replaced by T.
Protein change: p.Arg1583Cys; replaces arginine 1583 with cysteine.
Molecular consequence: missense variant.
Genome position (GRCh38, 1-based): chr2:26,465,724, G>A on the plus strand (C>T on the coding strand, the complement: OTOF is on the minus strand). VCF-style: chr2-26465724-G-A. GRCh37 (hg19) VCF-style: chr2-26688592-G-A.
Other names: NM_194248.2:c.4747C>T, p.(Arg1583Cys); c.4747C>T, p.Arg1583Cys (NM_001287489.2); c.2446C>T, p.Arg816Cys (NM_004802.4, NM_194323.3); c.2677C>T, p.Arg893Cys (NM_194322.3); short protein forms R1583C, R816C, R893C.
Identifiers: ClinVar variation 402270 (VCV000402270.13), dbSNP rs781688103, ClinGen allele CA1563058.

ClinVar aggregate classification (germline): Pathogenic/Likely pathogenic. Review status: criteria provided, multiple submitters, no conflicts (2 of 4 stars). 9 submissions from 9 submitters: Pathogenic (4); Likely pathogenic (3). 2 of the submissions do not count toward it. Last evaluated 2024-10-10.

Conditions:
OTOF-related disorder. Also called: OTOF-related condition.
Autosomal recessive nonsyndromic hearing loss 9. Also called: NEUROSENSORY NONSYNDROMIC RECESSIVE DEAFNESS 9; AUDITORY NEUROPATHY, AUTOSOMAL RECESSIVE, 1, TEMPERATURE-SENSITIVE; Deafness, autosomal recessive 9; OTOF-Related Hearing Loss. Identifiers: Orphanet 90636, MedGen C1832828, MONDO:0010986, OMIM 601071.
Bilateral sensorineural hearing impairment. Also called: Bilateral sensorineural hearing loss. Identifiers: MedGen C0452138, HP:0008619.

Allele frequency attached by ClinVar (database versions not stated): TOPMed 0.00001; ExAC 0.00002; gnomAD exomes 0.00002.
gnomAD v4.1: 27 of 1,614,238 alleles (0.0017%); highest among the groups gnomAD compares: South Asian, 0.0044%; no homozygotes.

Submissions (9):

Victorian Clinical Genetics Services, Murdoch Childrens Research Institute
Classification: Pathogenic for Autosomal recessive nonsyndromic hearing loss 9. Last evaluated: 2024-10-10. Review status: criteria provided, single submitter. Criteria: ACMG Guidelines, 2015. Collection method: clinical testing. Allele origin: germline. Inheritance: Autosomal recessive inheritance. Affected: yes.
Comment: Based on the classification scheme VCGS_Germline_v1.3.5, this variant is classified as Pathogenic. Following criteria are met: 0102 - Loss of function is a known mechanism of disease in this gene and is associated with autosomal recessive auditory neuropathy (MIM#601071) and deafness, 9 (MIM#601071). (I) 0106 - This gene is associated with autosomal recessive disease. (I) 0200 - Variant is predicted to result in a missense amino acid change from arginine to cysteine. (I) 0251 - This variant is heterozygous. (I) 0304 - Variant is present in gnomAD (v4) <0.01 for a recessive condition (27 heterozygotes, 0 homozygotes). (SP) 0309 - An alternative amino acid change at the same position has been observed in gnomAD (v4; 24 heterozygotes, 0 homozygotes). (I) 0501 - Missense variant consistently predicted to be damaging by multiple in silico tools or highly conserved with a major amino acid change. (SP) 0600 - Variant is located in the annotated C2 domain (DECIPHER). (I) 0703 - Another missense variant comparable to the one identified in this case has moderate previous evidence for pathogenicity. p.(Arg1583His) has been reported as likely pathogenic by an expert panel (ClinVar). (SP) 0801 - This variant has strong previous evidence of pathogenicity in unrelated individuals. This variant has multiple pathogenic reports in individuals with auditory neuropathy (ClinVar, PMIDs: 26818607, 33724713, 34652575). (SP) 1208 - Inheritance information for this variant is not currently available in this individual. (I) Legend: (SP) - Supporting pathogenic, (I) - Information, (SB) - Supporting benign

Labcorp Genetics (formerly Invitae), Labcorp
Classification: Pathogenic. Last evaluated: 2024-02-25. Review status: criteria provided, single submitter. Criteria: Invitae Variant Classification Sherloc (09022015). Collection method: clinical testing. Allele origin: germline.
Comment: This sequence change replaces arginine, which is basic and polar, with cysteine, which is neutral and slightly polar, at codon 1583 of the OTOF protein (p.Arg1583Cys). This variant is present in population databases (rs781688103, gnomAD 0.004%). This missense change has been observed in individual(s) with OTOF-related conditions (PMID: 26818607, 33724713, 34424407). In at least one individual the data is consistent with being in trans (on the opposite chromosome) from a pathogenic variant. ClinVar contains an entry for this variant (Variation ID: 402270). Advanced modeling of protein sequence and biophysical properties (such as structural, functional, and spatial information, amino acid conservation, physicochemical variation, residue mobility, and thermodynamic stability) performed at Invitae indicates that this missense variant is expected to disrupt OTOF protein function with a positive predictive value of 80%. This variant disrupts the p.Arg1583 amino acid residue in OTOF. Other variant(s) that disrupt this residue have been determined to be pathogenic (PMID: 24001616, 24053799, 31095577, 31827501). This suggests that this residue is clinically significant, and that variants that disrupt this residue are likely to be disease-causing. For these reasons, this variant has been classified as Pathogenic.

GeneDx
Classification: Likely pathogenic. Last evaluated: 2023-11-21. Review status: criteria provided, single submitter. Criteria: GeneDx Variant Classification Process June 2021. Collection method: clinical testing. Allele origin: germline. Affected: yes.
Comment: Not observed at significant frequency in large population cohorts (gnomAD); In silico analysis supports that this missense variant has a deleterious effect on protein structure/function; This variant is associated with the following publications: (PMID: 34426522, 31589614, 33724713, 32747562, 26818607, 34424407, 24001616, 31827501, 36147510)

Blueprint Genetics
Classification: Pathogenic for OTOF-related disorders. Last evaluated: 2022-12-15. Review status: criteria provided, single submitter. Criteria: ACMG Guidelines, 2015. Collection method: clinical testing. Allele origin: germline. Affected: yes. Observed: 2 variant alleles.

Fulgent Genetics
Classification: Likely pathogenic for Autosomal recessive nonsyndromic hearing loss 9. Last evaluated: 2021-12-27. Review status: criteria provided, single submitter. Criteria: ACMG Guidelines, 2015. Collection method: clinical testing. Allele origin: unknown.

King Laboratory, University of Washington
Classification: Likely pathogenic for Autosomal recessive nonsyndromic hearing loss 9. Last evaluated: 2020-08-01. Review status: criteria provided, single submitter. Criteria: Abu Rayyan A et al. (Proc Natl Acad Sci U S A 2020). Collection method: research. Allele origin: germline. Affected: yes.
Comment: OTOF c.4747C>T, p.R1583C alters a residue completely conserved in all sequenced vertebrates in a calcium-binding domain. A different substitution in the same codon (R1583H) is reported on ClinVar as pathogenic in compound heterozygosity with a nonsense mutation. R1583C is homozygous in 2 siblings with pre-lingual profound hearing loss in a Palestinan family (Abu Rayyan 2020). It is absent from 1300 Palestinian controls and present in 5/251474 alleles on gnomAD, all heterozygotes.

Laboratory of Human Genetics, Institute of Biosciences - University of Sao Paulo
Classification: Pathogenic for Bilateral sensorineural hearing impairment. Review status: criteria provided, single submitter. Criteria: ClinGen HL ACMG Specifications v1. Collection method: research. Allele origin: germline. Affected: yes. Observed: 1 compound heterozygote. Segregation with disease observed.

Diagnosis and Treatment Center of Genetic Hearing Loss, Eye & ENT Hospital of Fudan University
Classification: Pathogenic for Autosomal recessive nonsyndromic hearing loss 9. Last evaluated: 2026-02-04. Review status: no assertion criteria provided. Collection method: clinical testing. Allele origin: germline. Inheritance: Autosomal recessive inheritance. Affected: yes. Not counted in ClinVar's aggregate classification.
Comment: The c.4747C>T missense variant in OTOF has a population frequency of 0.0000247 (PM2_Supporting). It has been reported in recessive auditory neuropathy cases (PM3_Strong, PP4). A different pathogenic variant at the same codon, c.4748G>A (p.Arg1583His), has been reported (PM5). The REVEL score is 0.883 (PP3_Moderate). PMIDs:26818607, 31589614, 32747562, 33724713, 34424407, 34426522, 36147510

Hereditary Research Laboratory, Bethlehem University
Classification: Pathogenic for Autosomal recessive nonsyndromic hearing loss 9. Last evaluated: 2016-06-04. Review status: no assertion criteria provided. Collection method: research. Allele origin: germline. Affected: yes. Not counted in ClinVar's aggregate classification.

Literature cited by the submitters: PubMed 26818607 (cited by 3 submitters); PubMed 33724713 (cited by 3 submitters); PubMed 34652575 (cited by Victorian Clinical Genetics Services, Murdoch Childrens Research Institute and Laboratory of Human Genetics, Institute of Biosciences - University of Sao Paulo); PubMed 34424407 (cited by Labcorp Genetics (formerly Invitae), Labcorp and Diagnosis and Treatment Center of Genetic Hearing Loss, Eye & ENT Hospital of Fudan University); PubMed 24001616 (cited by Labcorp Genetics (formerly Invitae), Labcorp); PubMed 24053799 (cited by Labcorp Genetics (formerly Invitae), Labcorp); PubMed 31095577 (cited by Labcorp Genetics (formerly Invitae), Labcorp); PubMed 31827501 (cited by Labcorp Genetics (formerly Invitae), Labcorp); PubMed 19461658 (cited by Laboratory of Human Genetics, Institute of Biosciences - University of Sao Paulo); PubMed 31589614 (cited by Diagnosis and Treatment Center of Genetic Hearing Loss, Eye & ENT Hospital of Fudan University); PubMed 32747562 (cited by Diagnosis and Treatment Center of Genetic Hearing Loss, Eye & ENT Hospital of Fudan University); PubMed 34426522 (cited by Diagnosis and Treatment Center of Genetic Hearing Loss, Eye & ENT Hospital of Fudan University); PubMed 36147510 (cited by Diagnosis and Treatment Center of Genetic Hearing Loss, Eye & ENT Hospital of Fudan University).